The following is an entry in ClinVar:

ClinVar aggregate classification (germline): Benign. Review status: criteria provided, multiple submitters, no conflicts (2 of 4 stars). 7 submissions from 7 submitters: Benign (5). 2 of the submissions do not count toward it. Last evaluated 2026-02-04.

Conditions:
Immunodeficiency 27A (IMD27A). Also called: IMMUNODEFICIENCY 27A, MYCOBACTERIOSIS, AUTOSOMAL RECESSIVE; IFNGR1 DEFICIENCY, AUTOSOMAL RECESSIVE. Identifiers: Orphanet 319569, Orphanet 99898, MedGen C4011949, MONDO:0008856, OMIM 209950.
Disseminated atypical mycobacterial infection. Identifiers: MedGen C0694566.

Allele frequency attached by ClinVar (database versions not stated): ESP Exome Variant Server 0.08706; gnomAD 0.09069 and 0.09455; TOPMed 0.09186; gnomAD exomes 0.11802 and 0.11876; ExAC 0.11894; 1000 Genomes Project 30x 0.11914; 1000 Genomes Project 0.12121.
gnomAD v4.1: 185,791 of 1,605,704 alleles (12%); highest among the groups gnomAD compares: East Asian, 28%; 12,087 homozygotes.

Submissions (7):

Labcorp Genetics (formerly Invitae), Labcorp
Classification: Benign for Disseminated atypical mycobacterial infection. Last evaluated: 2026-02-04. Review status: criteria provided, single submitter. Criteria: Invitae Variant Classification Sherloc (09022015). Collection method: clinical testing. Allele origin: germline.

Unidad de Genómica Garrahan, Hospital de Pediatría Garrahan
Classification: Benign. Last evaluated: 2024-01-24. Review status: criteria provided, single submitter. Criteria: ACMG Guidelines, 2015. Collection method: clinical testing. Allele origin: germline. Affected: no. Observed: 23 variant alleles.
Comment: This variant is classified as Benign based on local population frequency. This variant was detected in 26% of patients studied by a panel of primary immunodeficiencies. Number of patients: 23. Only high quality variants are reported.

Mayo Clinic Laboratories, Mayo Clinic
Classification: Benign. Last evaluated: 2022-09-06. Review status: criteria provided, single submitter. Criteria: ACMG Guidelines, 2015. Collection method: clinical testing. Allele origin: germline. Observed: 2 variant alleles.

Illumina Laboratory Services, Illumina
Classification: Benign for Immunodeficiency 27A. Last evaluated: 2018-01-13. Review status: criteria provided, single submitter. Criteria: ICSL Variant Classification Criteria 13 December 2019. Collection method: clinical testing. Allele origin: germline.
Comment: This variant was observed in the ICSL laboratory as part of a predisposition screen in an ostensibly healthy population. It had not been previously curated by ICSL or reported in the Human Gene Mutation Database (HGMD: prior to June 1st, 2018), and was therefore a candidate for classification through an automated scoring system. Utilizing variant allele frequency, disease prevalence and penetrance estimates, and inheritance mode, an automated score was calculated to assess if this variant is too frequent to cause the disease. Based on the score and internal cut-off values, a variant classified as benign is not then subjected to further curation. The score for this variant resulted in a classification of benign for this disease.

Laboratory for Molecular Medicine, Mass General Brigham Personalized Medicine
Classification: Benign. Last evaluated: 2016-03-28. Review status: criteria provided, single submitter. Criteria: LMM Criteria. Collection method: clinical testing. Allele origin: germline.
Comment: Variant identified in a genome or exome case(s) and assessed due to predicted null impact of the variant or pathogenic assertions in the literature or databases. Disclaimer: This variant has not undergone full assessment. The following are preliminary notes: Frequency

Clinical Genetics DNA and cytogenetics Diagnostics Lab, Erasmus MC, Erasmus Medical Center
Classification: Benign. Review status: no assertion criteria provided. Collection method: clinical testing. Allele origin: germline. Affected: yes. Study: VKGL Data-share Consensus. Not counted in ClinVar's aggregate classification.

Diagnostic Laboratory, Department of Genetics, University Medical Center Groningen
Classification: Benign. Review status: no assertion criteria provided. Collection method: clinical testing. Allele origin: germline. Affected: yes. Study: VKGL Data-share Consensus. Not counted in ClinVar's aggregate classification.

NM_000416.3(IFNGR1):c.862-4A>G

Gene: IFNGR1 (interferon gamma receptor 1; minus strand). Cytogenetic location: 6q23.3.
Variant type: single nucleotide variant.
Coding change: c.862-4A>G on transcript NM_000416.3 (MANE Select); 4 bases into the intron before coding-DNA position 862, A replaced by G.
Molecular consequence: intron variant.
Genome position (GRCh38, 1-based): chr6:137,198,643, T>C on the plus strand (A>G on the coding strand, the complement: IFNGR1 is on the minus strand). VCF-style: chr6-137198643-T-C. GRCh37 (hg19) VCF-style: chr6-137519780-T-C.
Other names: p.?; c.832-4A>G (NM_001363526.1); c.739-4A>G (NM_001363527.1).
Identifiers: ClinVar variation 355555 (VCV000355555.23), dbSNP rs3799488, ClinGen allele CA4018852.